The following is an entry in ClinVar:

ClinVar aggregate classification (germline): Pathogenic. Review status: criteria provided, multiple submitters, no conflicts (2 of 4 stars). 10 submissions from 10 submitters: Pathogenic (10). Last evaluated 2025-09-02.

Conditions:
Galactosylceramide beta-galactosidase deficiency. Also called: Leukodystrophy, Globoid Cell; Krabbe Disease; GALACTOCEREBROSIDASE DEFICIENCY; GALC DEFICIENCY; GLOBOID CELL LEUKOENCEPHALOPATHY. Identifiers: Orphanet 487, MedGen C0023521, MONDO:0009499, OMIM 245200.

Allele frequency attached by ClinVar (database versions not stated): gnomAD 0.00001; TOPMed 0.00006; ESP Exome Variant Server 0.00016.

Submissions (10):

Labcorp Genetics (formerly Invitae), Labcorp
Classification: Pathogenic for Galactosylceramide beta-galactosidase deficiency. Last evaluated: 2025-09-02. Review status: criteria provided, single submitter. Criteria: Invitae Variant Classification Sherloc (09022015). Collection method: clinical testing. Allele origin: germline.
Comment: This sequence change creates a premature translational stop signal (p.Arg127*) in the GALC gene. It is expected to result in an absent or disrupted protein product. Loss-of-function variants in GALC are known to be pathogenic (PMID: 7437911, 9272171, 16607461). This variant is present in population databases (rs200532368, gnomAD 0.005%). This premature translational stop signal has been observed in individuals with autosomal recessive Krabbe disease (PMID: 20886637, 21824559, 27638593). This variant is also known as p.R111X. ClinVar contains an entry for this variant (Variation ID: 429982). For these reasons, this variant has been classified as Pathogenic.

CeGaT Center for Human Genetics Tuebingen
Classification: Pathogenic. Last evaluated: 2025-08-01. Review status: criteria provided, single submitter. Criteria: CeGaT Center For Human Genetics Tuebingen Variant Classification Criteria Version 2. Collection method: clinical testing. Allele origin: germline. Affected: yes. Observed: 1 variant allele.
Comment: GALC: PVS1, PM2, PM3

Natera, Inc.
Classification: Pathogenic for Galactosylceramide beta-galactosidase deficiency. Last evaluated: 2025-01-31. Review status: criteria provided, single submitter. Criteria: Natera Variant Classification Schema (03/2026). Collection method: clinical testing. Allele origin: germline.
Comment: The c.379C>T variant in GALC is a nonsense variant predicted to introduce a stop codon at amino acid 127. This variant is expected to result in nonsense mediated decay, truncation, or a dysfunctional protein product. This variant is rare in the general population with a frequency below the threshold expected for the associated phenotype(s). This variant has been observed in one or more individuals affected with the associated recessive disease, as either homozygous or compound heterozygous with a second variant (PMID: 20886637). Given the available evidence, this variant is classified as Pathogenic.

Revvity Omics, Revvity
Classification: Pathogenic. Last evaluated: 2024-05-13. Review status: criteria provided, single submitter. Criteria: ACMG Guidelines, 2015. Collection method: clinical testing. Allele origin: germline.

Fulgent Genetics
Classification: Pathogenic for Galactosylceramide beta-galactosidase deficiency. Last evaluated: 2024-04-12. Review status: criteria provided, single submitter. Criteria: ACMG Guidelines, 2015. Collection method: clinical testing. Allele origin: germline.

Greenwood Genetic Center Diagnostic Laboratories, Greenwood Genetic Center
Classification: Pathogenic for Galactosylceramide beta-galactosidase deficiency. Last evaluated: 2023-04-27. Review status: criteria provided, single submitter. Criteria: ACMG Guidelines, 2015. Collection method: clinical testing. Allele origin: germline. Affected: yes.
Comment: PVS1, PS3, PM2

Department of Pathology and Laboratory Medicine, Sinai Health System
Classification: Pathogenic for Galactosylceramide beta-galactosidase deficiency. Last evaluated: 2023-02-02. Review status: criteria provided, single submitter. Criteria: ACMG Guidelines, 2015. Collection method: research. Allele origin: germline.

GeneDx
Classification: Pathogenic. Last evaluated: 2019-07-08. Review status: criteria provided, single submitter. Criteria: GeneDx Variant Classification Process June 2021. Collection method: clinical testing. Allele origin: germline. Affected: yes.
Comment: Nonsense variant predicted to result in protein truncation or nonsense mediated decay in a gene for which loss-of-function is a known mechanism of disease; Not observed at a significant frequency in large population cohorts (Lek et al., 2016); This variant is associated with the following publications: (PMID: 25525159, 20886637, 23319190, 26795590, 27638593)

Baylor Genetics
Classification: Pathogenic for Galactosylceramide beta-galactosidase deficiency. Last evaluated: 2018-01-18. Review status: criteria provided, single submitter. Criteria: ACMG Guidelines, 2015. Collection method: clinical testing. Allele origin: maternal. Affected: yes.
Comment: This variant was determined to be pathogenic according to ACMG Guidelines, 2015 [PMID:25741868]. This variant has been previously reported in patients with Krabbe disease [PMID 20886637]

Women's Health and Genetics/Laboratory Corporation of America, LabCorp
Classification: Pathogenic for Galactosylceramide beta-galactosidase deficiency. Last evaluated: 2016-04-28. Review status: criteria provided, single submitter. Criteria: LabCorp Variant Classification Summary - May 2015. Collection method: clinical testing. Allele origin: germline.
Comment: Variant summary: The c.379C>T (p.Arg127*) variant in GALC gene is a nonsense mutation. The mutation is predicted to cause loss of normal protein function through either protein truncation or nonsense-mediated mRNA decay. The variant has been reported in several affected individuals presented with infantile form of Krabbe via published reports. The variant was observed in the large and broad cohorts of the ExAC project at an allele frequency of 0.0032% exclusively in individuals of European descent (0.06%). This frequency does not exceed the maximal expected allele frequency for a pathogenic variant in GALC gene (0.22%). Taken together, the variant was classified as Pathogenic.

Literature cited by the submitters: PubMed 7437911 (cited by Labcorp Genetics (formerly Invitae), Labcorp); PubMed 9272171 (cited by Labcorp Genetics (formerly Invitae), Labcorp); PubMed 16607461 (cited by Labcorp Genetics (formerly Invitae), Labcorp); PubMed 20886637 (cited by 4 submitters); PubMed 21824559 (cited by Labcorp Genetics (formerly Invitae), Labcorp and Women's Health and Genetics/Laboratory Corporation of America, LabCorp); PubMed 27638593 (cited by Labcorp Genetics (formerly Invitae), Labcorp); PubMed 23319190 (cited by Women's Health and Genetics/Laboratory Corporation of America, LabCorp); PubMed 26795590 (cited by Women's Health and Genetics/Laboratory Corporation of America, LabCorp).

NM_000153.4(GALC):c.379C>T (p.Arg127Ter)

Gene: GALC (galactosylceramidase; minus strand). Cytogenetic location: 14q31.3.
Variant type: single nucleotide variant.
Coding change: c.379C>T on transcript NM_000153.4 (MANE Select); coding-DNA position 379, C replaced by T.
Protein change: p.Arg127Ter; replaces arginine 127 with a stop codon.
Molecular consequence: nonsense.
Genome position (GRCh38, 1-based): chr14:87,986,552, G>A on the plus strand (C>T on the coding strand, the complement: GALC is on the minus strand). VCF-style: chr14-87986552-G-A. GRCh37 (hg19) VCF-style: chr14-88452896-G-A.
Other names: c.310C>T, p.Arg104Ter (NM_001201401.2); c.301C>T, p.Arg101Ter (NM_001201402.2); short protein forms R127*, R104*, R101*.
Identifiers: ClinVar variation 429982 (VCV000429982.30), dbSNP rs200532368, ClinGen allele CA7297405.
Genomic context (GRCh38, chr14:87,986,552, plus strand): 5'-TGAGTGTAATATTGGGATTCCTCTTCTTAGCTTCTTTCATCAACCACCACTCGTATCCTC[G>A]GAAATAATTCTCATCTAGTGCATAATGCATGTGGGAGGGCTCAGTGCCGTCTGAATAGAG-3'